The following is an entry in ClinVar:

ClinVar aggregate classification (germline): Uncertain significance (1 of 4 stars; one submission).

Submission:

GeneDx
Classification: Uncertain significance. Last evaluated: 2026-04-22. Review status: criteria provided, single submitter. Criteria: GeneDx Variant Classification Process June 2021. Collection method: clinical testing. Allele origin: germline.
Comment: Not observed at significant frequency in large population cohorts (gnomAD); Has not been previously published as pathogenic or benign to our knowledge; In silico analysis is inconclusive as to whether the variant alters gene splicing. In the absence of RNA/functional studies, the actual effect of this sequence change is unknown

NM_001353345.2(SETD1B):c.657+5G>A

Gene: SETD1B (SET domain containing 1B, histone lysine methyltransferase; plus strand). Cytogenetic location: 12q24.31.
Variant type: single nucleotide variant.
Coding change: c.657+5G>A on transcript NM_001353345.2 (MANE Select); 5 bases into the intron after coding-DNA position 657, G replaced by A.
Molecular consequence: intron variant.
Genome position (GRCh38, 1-based): chr12:121,808,325, G>A. VCF-style: chr12-121808325-G-A. GRCh37 (hg19) VCF-style: chr12-122246231-G-A.
Identifiers: ClinVar variation 5037529 (VCV005037529.1).